The following is an entry in ClinVar:

ClinVar aggregate classification (germline): Uncertain significance (1 of 4 stars; one submission).

Conditions:
Inborn genetic diseases. Identifiers: MedGen C0950123, MeSH D030342.

gnomAD v4.1: 7 of 1,613,528 alleles (0.00043%); highest among the groups gnomAD compares: Admixed American, 0.005%; no homozygotes.

Submission:

Ambry Genetics
Classification: Uncertain significance for Inborn genetic diseases. Last evaluated: 2025-05-28. Review status: criteria provided, single submitter. Criteria: Ambry Variant Classification Scheme 2023. Collection method: clinical testing. Allele origin: germline.
Comment: The p.S997T variant (also known as c.2990G>C), located in coding exon 31 of the FANCA gene, results from a G to C substitution at nucleotide position 2990. The serine at codon 997 is replaced by threonine, an amino acid with similar properties. This amino acid position is conserved. In addition, this alteration is predicted to be tolerated by in silico analysis. Based on the available evidence, the clinical significance of this variant remains unclear.

NM_000135.4(FANCA):c.2990G>C (p.Ser997Thr)

Gene: FANCA (FA complementation group A; minus strand). Cytogenetic location: 16q24.3.
Variant type: single nucleotide variant.
Coding change: c.2990G>C on transcript NM_000135.4 (MANE Select); coding-DNA position 2990, G replaced by C.
Protein change: p.Ser997Thr; replaces serine 997 with threonine.
Molecular consequence: missense variant.
Genome position (GRCh38, 1-based): chr16:89,752,214, C>G on the plus strand (G>C on the coding strand, the complement: FANCA is on the minus strand). VCF-style: chr16-89752214-C-G. GRCh37 (hg19) VCF-style: chr16-89818622-C-G.
Other names: c.2990G>C, p.Ser997Thr (NM_001286167.3); short protein forms S997T.
Identifiers: ClinVar variation 4022320 (VCV004022320.1).